The following is an entry in ClinVar:

ClinVar aggregate classification (germline): Benign. Review status: criteria provided, multiple submitters, no conflicts (2 of 4 stars). 2 submissions from 2 submitters: Benign (2). Last evaluated 2025-02-16.

Conditions:
Leigh syndrome (NULS). Also called: Leigh's necrotizing encephalopathy; Leigh's disease; Leigh Syndrome (mtDNA deletion); Leigh Disease; Subacute necrotizing encephalopathy; Necrotizing encephalopathy infantile subacute of Leigh. Identifiers: Orphanet 506, MedGen C2931891, MONDO:0009723, OMIM 256000.

Submissions (2):

Laboratory of Genetics, Children's Clinical University Hospital Latvia
Classification: Benign. Last evaluated: 2025-02-16. Review status: criteria provided, single submitter. Criteria: ACMG Guidelines, 2015. Collection method: clinical testing. Allele origin: germline. Affected: yes.

Wong Mito Lab, Molecular and Human Genetics, Baylor College of Medicine
Classification: Benign for Leigh syndrome. Last evaluated: 2019-10-17. Review status: criteria provided, single submitter. Criteria: Modified ACMG Guidelines (Unpublished). Collection method: clinical testing. Allele origin: germline.
Comment: The NC_012920.1:m.5178C>A (YP_003024027.1:p.Leu237Met) variant in MTND2 gene is interpretated to be a Benign variant based on the modified ACMG guidelines (unpublished). This variant meets the following evidence codes: BA1

NC_012920.1(MT-ND2):m.5178C>A

Gene: MT-ND2 (mitochondrially encoded NADH dehydrogenase 2; plus strand).
Variant type: single nucleotide variant.
Genome position: chrM-5178-C-A.
Identifiers: ClinVar variation 692551 (VCV000692551.2), dbSNP rs28357984, ClinGen allele CA337097072.